The following is an entry in ClinVar:

NM_032043.3(BRIP1):c.2360C>G (p.Pro787Arg)

Gene: BRIP1 (BRCA1 interacting DNA helicase 1; minus strand). Cytogenetic location: 17q23.2.
Variant type: single nucleotide variant.
Coding change: c.2360C>G on transcript NM_032043.3 (MANE Select); coding-DNA position 2360, C replaced by G.
Protein change: p.Pro787Arg; replaces proline 787 with arginine.
Molecular consequence: missense variant.
Genome position (GRCh38, 1-based): chr17:61,743,032, G>C on the plus strand (C>G on the coding strand, the complement: BRIP1 is on the minus strand). VCF-style: chr17-61743032-G-C. GRCh37 (hg19) VCF-style: chr17-59820393-G-C.
Other names: short protein forms P787R.
Identifiers: ClinVar variation 483214 (VCV000483214.9), dbSNP rs1555590356, ClinGen allele CA400482558.

ClinVar aggregate classification (germline): Uncertain significance. Review status: criteria provided, multiple submitters, no conflicts (2 of 4 stars). 2 submissions from 2 submitters: Uncertain significance (2). Last evaluated 2025-08-02.

Conditions:
Fanconi anemia complementation group J. Also called: BRIP1-Related Fanconi Anemia. Identifiers: Orphanet 84, MedGen C1836860, MONDO:0012187, OMIM 609054.
Familial cancer of breast. Also called: BREAST CANCER, FAMILIAL; Hereditary breast cancer; hereditary breast carcinoma. Identifiers: Orphanet 227535, MedGen C0346153, MONDO:0016419, OMIM 114480. Disease mechanism: loss of function.
Hereditary cancer-predisposing syndrome. Also called: Hereditary neoplastic syndrome; Neoplastic Syndromes, Hereditary; Tumor predisposition; Hereditary Cancer Syndrome. Identifiers: Orphanet 140162, MedGen C0027672, MeSH D009386, MONDO:0015356.

Submissions (2):

Ambry Genetics
Classification: Uncertain significance for Hereditary cancer-predisposing syndrome. Last evaluated: 2025-08-02. Review status: criteria provided, single submitter. Criteria: Ambry Variant Classification Scheme 2023. Collection method: clinical testing. Allele origin: germline.
Comment: The p.P787R variant (also known as c.2360C>G), located in coding exon 15 of the BRIP1 gene, results from a C to G substitution at nucleotide position 2360. The proline at codon 787 is replaced by arginine, an amino acid with dissimilar properties. This amino acid position is highly conserved in available vertebrate species. In addition, this alteration is predicted to be deleterious by in silico analysis. Since supporting evidence is limited at this time, the clinical significance of this alteration remains unclear.

Labcorp Genetics (formerly Invitae), Labcorp
Classification: Uncertain significance for Familial cancer of breast; Fanconi anemia complementation group J. Last evaluated: 2023-07-06. Review status: criteria provided, single submitter. Criteria: Invitae Variant Classification Sherloc (09022015). Collection method: clinical testing. Allele origin: germline.
Comment: This variant is not present in population databases (gnomAD no frequency). This sequence change replaces proline, which is neutral and non-polar, with arginine, which is basic and polar, at codon 787 of the BRIP1 protein (p.Pro787Arg). This variant has not been reported in the literature in individuals affected with BRIP1-related conditions. ClinVar contains an entry for this variant (Variation ID: 483214). Advanced modeling of protein sequence and biophysical properties (such as structural, functional, and spatial information, amino acid conservation, physicochemical variation, residue mobility, and thermodynamic stability) performed at Invitae indicates that this missense variant is expected to disrupt BRIP1 protein function. In summary, the available evidence is currently insufficient to determine the role of this variant in disease. Therefore, it has been classified as a Variant of Uncertain Significance.